The following is an entry in ClinVar:

NM_006545.5(NPRL2):c.7A>G (p.Ser3Gly)

Gene: NPRL2 (NPR2 like, GATOR1 complex subunit; minus strand). Cytogenetic location: 3p21.31.
Variant type: single nucleotide variant.
Coding change: c.7A>G on transcript NM_006545.5 (MANE Select); coding-DNA position 7, A replaced by G.
Protein change: p.Ser3Gly; replaces serine 3 with glycine.
Molecular consequence: missense variant.
Genome position (GRCh38, 1-based): chr3:50,350,646, T>C on the plus strand (A>G on the coding strand, the complement: NPRL2 is on the minus strand). VCF-style: chr3-50350646-T-C. GRCh37 (hg19) VCF-style: chr3-50388077-T-C.
Other names: short protein forms S3G.
Identifiers: ClinVar variation 3383000 (VCV003383000.2).

ClinVar aggregate classification (germline): Uncertain significance (1 of 4 stars; one submission).

Conditions:
Epilepsy, familial focal, with variable foci 2 (FFEVF2). Identifiers: MedGen C4310709, MONDO:0014924, OMIM 617116.

Submission:

Juno Genomics, Hangzhou Juno Genomics, Inc
Classification: Uncertain significance for Epilepsy, familial focal, with variable foci 2. Review status: criteria provided, single submitter. Criteria: ACMG Guidelines, 2015. Collection method: clinical testing. Allele origin: germline. Affected: yes.
Comment: Absent from controls (or at extremely low frequency if recessive) in Genome Aggregation Database, Exome Sequencing Project, 1000 Genomes Project, or Exome Aggregation Consortium.;Multiple lines of computational evidence suggest no impact on gene or gene product (conservation, evolutionary, splicing impact, etc).